The following is an entry in ClinVar:

NM_030665.4(RAI1):c.645C>T (p.Ser215=)

Gene: RAI1 (retinoic acid induced 1; plus strand). Cytogenetic location: 17p11.2.
Variant type: single nucleotide variant.
Coding change: c.645C>T on transcript NM_030665.4 (MANE Select); coding-DNA position 645, C replaced by T.
Protein change: p.Ser215=; no amino-acid change (serine 215 retained).
Molecular consequence: synonymous variant.
Genome position (GRCh38, 1-based): chr17:17,793,593, C>T. VCF-style: chr17-17793593-C-T. GRCh37 (hg19) VCF-style: chr17-17696907-C-T.
Identifiers: ClinVar variation 589791 (VCV000589791.16), dbSNP rs143810054, ClinGen allele CA8418163.

ClinVar aggregate classification (germline): Likely benign. Review status: criteria provided, multiple submitters, no conflicts (2 of 4 stars). 4 submissions from 4 submitters: Likely benign (3). 1 of the submissions does not count toward it. Last evaluated 2026-09-01.

Conditions:
Inborn genetic diseases. Identifiers: MedGen C0950123, MeSH D030342.
RAI1-related disorder. Also called: RAI1-related condition.

Allele frequency attached by ClinVar (database versions not stated): gnomAD 0.00002; TOPMed 0.00002; ExAC 0.00003; gnomAD exomes 0.00003 and 0.00004; ESP Exome Variant Server 0.00023.
gnomAD v4.1: 65 of 1,613,646 alleles (0.004%); highest among the groups gnomAD compares: Non-Finnish European, 0.0054%; no homozygotes.

Submissions (4):

CeGaT Center for Human Genetics Tuebingen
Classification: Likely benign. Last evaluated: 2026-09-01. Review status: criteria provided, single submitter. Criteria: CeGaT Center For Human Genetics Tuebingen Variant Classification Criteria Version 2. Collection method: clinical testing. Allele origin: germline. Affected: yes. Observed: 1 variant allele.
Comment: RAI1: BP4, BP7

Labcorp Genetics (formerly Invitae), Labcorp
Classification: Likely benign. Last evaluated: 2026-01-09. Review status: criteria provided, single submitter. Criteria: Invitae Variant Classification Sherloc (09022015). Collection method: clinical testing. Allele origin: germline.

Ambry Genetics
Classification: Likely benign for Inborn genetic diseases. Last evaluated: 2016-09-02. Review status: criteria provided, single submitter. Criteria: Ambry Variant Classification Scheme 2023. Collection method: clinical testing. Allele origin: germline.

PreventionGenetics, part of Exact Sciences
Classification: Likely benign for RAI1-related condition. Last evaluated: 2021-03-03. Review status: no assertion criteria provided. Collection method: clinical testing. Allele origin: germline. Not counted in ClinVar's aggregate classification.
Comment: This variant is classified as likely benign based on ACMG/AMP sequence variant interpretation guidelines (Richards et al. 2015 PMID: 25741868, with internal and published modifications).